The following is an entry in ClinVar:

NM_005515.4(MNX1):c.89T>C (p.Leu30Ser)

Gene: MNX1 (motor neuron and pancreas homeobox 1; minus strand). Cytogenetic location: 7q36.3.
Variant type: single nucleotide variant.
Coding change: c.89T>C on transcript NM_005515.4 (MANE Select); coding-DNA position 89, T replaced by C.
Protein change: p.Leu30Ser; replaces leucine 30 with serine.
Molecular consequence: missense variant.
Genome position (GRCh38, 1-based): chr7:157,010,262, A>G on the plus strand (T>C on the coding strand, the complement: MNX1 is on the minus strand). VCF-style: chr7-157010262-A-G. GRCh37 (hg19) VCF-style: chr7-156802956-A-G.
Other names: short protein forms L30S.
Identifiers: ClinVar variation 2905374 (VCV002905374.3), dbSNP rs753593745, ClinGen allele CA4589301.

ClinVar aggregate classification (germline): Uncertain significance (1 of 4 stars; one submission).

Allele frequency attached by ClinVar (database versions not stated): TOPMed 0.00003; ExAC 0.00005.
gnomAD v4.1: 27 of 1,470,964 alleles (0.0018%); highest among the groups gnomAD compares: Middle Eastern, 0.021%; no homozygotes.

Submission:

Labcorp Genetics (formerly Invitae), Labcorp
Classification: Uncertain significance. Last evaluated: 2023-02-22. Review status: criteria provided, single submitter. Criteria: Invitae Variant Classification Sherloc (09022015). Collection method: clinical testing. Allele origin: germline.
Comment: In summary, the available evidence is currently insufficient to determine the role of this variant in disease. Therefore, it has been classified as a Variant of Uncertain Significance. Experimental studies and prediction algorithms are not available or were not evaluated, and the functional significance of this variant is currently unknown. This variant has not been reported in the literature in individuals affected with MNX1-related conditions. This variant is present in population databases (rs753593745, gnomAD 0.005%). This sequence change replaces leucine, which is neutral and non-polar, with serine, which is neutral and polar, at codon 30 of the MNX1 protein (p.Leu30Ser).